The following is an entry in ClinVar:

NM_001384474.1(LOXHD1):c.5279A>C (p.Tyr1760Ser)

Gene: LOXHD1 (lipoxygenase homology PLAT domains 1; minus strand). Cytogenetic location: 18q21.1.
Variant type: single nucleotide variant.
Coding change: c.5279A>C on transcript NM_001384474.1 (MANE Select); coding-DNA position 5279, A replaced by C.
Protein change: p.Tyr1760Ser; replaces tyrosine 1760 with serine.
Molecular consequence: missense variant. On other transcripts: 5 prime UTR variant (2).
Genome position (GRCh38, 1-based): chr18:46,518,249, T>G on the plus strand (A>C on the coding strand, the complement: LOXHD1 is on the minus strand). VCF-style: chr18-46518249-T-G. GRCh37 (hg19) VCF-style: chr18-44098212-T-G.
Other names: c.1946A>C, p.Tyr649Ser (NM_001145472.3); c.-5A>C (NM_001145473.3, NM_001173129.2); c.1658A>C, p.Tyr553Ser (NM_001308013.2); c.5093A>C, p.Tyr1698Ser (NM_144612.7); short protein forms Y1698S, Y1760S, Y553S, Y649S.
Identifiers: ClinVar variation 1065036 (VCV001065036.4), dbSNP rs753708345, ClinGen allele CA8952216.

ClinVar aggregate classification (germline): Uncertain significance. Review status: criteria provided, multiple submitters, no conflicts (2 of 4 stars). 2 submissions from 2 submitters: Uncertain significance (2). Last evaluated 2021-04-12.

Conditions:
Hearing impairment. Also called: Impaired Hearing. Identifiers: MedGen C1384666, MONDO:0005365, HP:0000365.

Allele frequency attached by ClinVar (database versions not stated): ExAC 0.00004; gnomAD 0.00004.
gnomAD v4.1: 154 of 1,551,452 alleles (0.0099%); highest among the groups gnomAD compares: Non-Finnish European, 0.013%; no homozygotes.

Submissions (2):

Department of Otolaryngology – Head & Neck Surgery, Cochlear Implant Center
Classification: Uncertain significance for Hearing impairment. Last evaluated: 2021-04-12. Review status: criteria provided, single submitter. Criteria: ClinGen HL ACMG Specifications v1. Collection method: clinical testing. Allele origin: germline. Affected: yes.
Comment: PM2_Moderate, PP3_Supporting

Blueprint Genetics
Classification: Uncertain significance. Last evaluated: 2020-09-18. Review status: criteria provided, single submitter. Criteria: ACMG Guidelines, 2015. Collection method: clinical testing. Allele origin: germline.